The following is an entry in ClinVar:

NM_012079.6(DGAT1):c.801del (p.Arg269fs)

Gene: DGAT1 (diacylglycerol O-acyltransferase 1; minus strand). Cytogenetic location: 8q24.3.
Variant type: Deletion.
Coding change: c.801del on transcript NM_012079.6 (MANE Select); coding-DNA position 801, one base deleted (T; older notation c.801delT).
Protein change: p.Arg269fs; shifts the reading frame from arginine 269.
Molecular consequence: frameshift variant.
Genome position (GRCh38, 1-based): chr8:144,317,968, A deleted on the plus strand (T on the coding strand, the reverse complement: DGAT1 is on the minus strand); the first of 3 consecutive A bases (chr8:144,317,968-144,317,970); deleting any one gives the same sequence. VCF-style (leftmost placement, unchanged base first): chr8-144317967-GA-G. GRCh37 (hg19) VCF-style: chr8-145541630-GA-G.
Other names: short protein forms R269fs.
Identifiers: ClinVar variation 2778430 (VCV002778430.3), dbSNP rs2488952421, ClinGen allele CA2605539596.
Genomic context (GRCh38, chr8:144,317,967, plus strand): 5'-ACCTCACCATCTCAAGGATCCGTCGCAGCAGAAAGCGCTTCCGGATGCGGGGAGAGCGGG[GA>G]AAGTTGAGCTCGTAGCACAAGGTGGGGGCGAAGAGGAAGTAGTAGAGATCTGGAATGGGA-3'

ClinVar aggregate classification (germline): Pathogenic (1 of 4 stars; one submission).

Submission:

Labcorp Genetics (formerly Invitae), Labcorp
Classification: Pathogenic. Last evaluated: 2023-02-22. Review status: criteria provided, single submitter. Criteria: Invitae Variant Classification Sherloc (09022015). Collection method: clinical testing. Allele origin: germline.
Comment: For these reasons, this variant has been classified as Pathogenic. This variant has not been reported in the literature in individuals affected with DGAT1-related conditions. This variant is not present in population databases (gnomAD no frequency). This sequence change creates a premature translational stop signal (p.Arg269Alafs*27) in the DGAT1 gene. It is expected to result in an absent or disrupted protein product. Loss-of-function variants in DGAT1 are known to be pathogenic (PMID: 29604290).

Literature cited by the submitters: PubMed 29604290.